The following is an entry in ClinVar:

ClinVar aggregate classification (germline): Uncertain significance (1 of 4 stars; one submission).

Conditions:
Hereditary cancer-predisposing syndrome. Also called: Hereditary neoplastic syndrome; Tumor predisposition; Hereditary Cancer Syndrome; Neoplastic Syndromes, Hereditary. Identifiers: Orphanet 140162, MedGen C0027672, MeSH D009386, MONDO:0015356.

Submission:

Labcorp Genetics (formerly Invitae), Labcorp
Classification: Uncertain significance for Hereditary cancer-predisposing syndrome. Last evaluated: 2022-04-15. Review status: criteria provided, single submitter. Criteria: Invitae Variant Classification Sherloc (09022015). Collection method: clinical testing. Allele origin: germline.
Comment: This sequence change replaces alanine, which is neutral and non-polar, with aspartic acid, which is acidic and polar, at codon 1248 of the RAD50 protein (p.Ala1248Asp). This variant is not present in population databases (gnomAD no frequency). This variant has not been reported in the literature in individuals affected with RAD50-related conditions. Algorithms developed to predict the effect of missense changes on protein structure and function are either unavailable or do not agree on the potential impact of this missense change (SIFT: "Deleterious"; PolyPhen-2: "Probably Damaging"; Align-GVGD: "Class C0"). In summary, the available evidence is currently insufficient to determine the role of this variant in disease. Therefore, it has been classified as a Variant of Uncertain Significance.

NM_005732.4(RAD50):c.3743C>A (p.Ala1248Asp)

Genes: RAD50 (RAD50 double strand break repair protein; plus strand), TH2LCRR (T helper type 2 locus control region associated RNA; minus strand), TH2-LCR (Th2 cytokine locus control region; plus strand). Cytogenetic location: 5q31.1.
Variant type: single nucleotide variant.
Coding change: c.3743C>A on transcript NM_005732.4 (MANE Select); coding-DNA position 3743, C replaced by A.
Protein change: p.Ala1248Asp; replaces alanine 1248 with aspartic acid.
Molecular consequence: missense variant.
Genome position (GRCh38, 1-based): chr5:132,640,796, C>A. VCF-style: chr5-132640796-C-A. GRCh37 (hg19) VCF-style: chr5-131976488-C-A.
Other names: short protein forms A1248D.
Identifiers: ClinVar variation 2126207 (VCV002126207.4), dbSNP rs2149865859, ClinGen allele CA360935016.
Genomic context (GRCh38, chr5:132,640,796, plus strand): 5'-TTGCCTTGGATGAGCCAACAACAAATCTTGACCGAGAAAACATTGAATCTCTTGCACATG[C>A]TCTGGTTGAGTAAGTATCTCTTGCACATGCTCTGGTTGAGTAAGTATCTCACATTTGGGG-3'
Protein context (NP_005723.2, residues 1238-1258): DRENIESLAH[Ala1248Asp]LVEIIKSRSQ